The following is an entry in ClinVar:

NM_014714.4(IFT140):c.1830C>T (p.Thr610=)

Gene: IFT140 (intraflagellar transport 140; minus strand). Cytogenetic location: 16p13.3.
Variant type: single nucleotide variant.
Coding change: c.1830C>T on transcript NM_014714.4 (MANE Select); coding-DNA position 1830, C replaced by T.
Protein change: p.Thr610=; no amino-acid change (threonine 610 retained).
Molecular consequence: synonymous variant.
Genome position (GRCh38, 1-based): chr16:1,566,232, G>A on the plus strand (C>T on the coding strand, the complement: IFT140 is on the minus strand). VCF-style: chr16-1566232-G-A. GRCh37 (hg19) VCF-style: chr16-1616233-G-A.
Other names: c.1830C>T (NM_014714.3).
Identifiers: ClinVar variation 1143756 (VCV001143756.10), dbSNP rs201049966, ClinGen allele CA7814123.

ClinVar aggregate classification (germline): Likely benign. Review status: criteria provided, multiple submitters, no conflicts (2 of 4 stars). 2 submissions from 2 submitters: Likely benign (2). Last evaluated 2026-08-20.

Conditions:
IFT140-related disorder. Also called: IFT140-related condition.
Saldino-Mainzer syndrome (SRTD9). Also called: CONORENAL SYNDROME; SHORT-RIB THORACIC DYSPLASIA 9 WITHOUT POLYDACTYLY; short-rib thoracic dysplasia 9 with or without polydactyly; Renal dysplasia, retinal pigmentary dystrophy, cerebellar ataxia and skeletal dysplasia. Identifiers: Orphanet 140969, MedGen C1849437, MONDO:0009964, OMIM 266920.

Allele frequency attached by ClinVar (database versions not stated): gnomAD 0.00001 and 0.00002; gnomAD exomes 0.00001; ExAC 0.00002; TOPMed 0.00002.
gnomAD v4.1: 23 of 1,613,394 alleles (0.0014%); highest among the groups gnomAD compares: South Asian, 0.0088%; no homozygotes.

Submissions (2):

PreventionGenetics, part of Exact Sciences
Classification: Likely benign for IFT140-related condition. Last evaluated: 2026-08-20. Review status: criteria provided, single submitter. Criteria: ACMG Guidelines, 2015. Collection method: clinical testing. Allele origin: germline.
Comment: This variant is classified as likely benign based on ACMG/AMP sequence variant interpretation guidelines (Richards et al. 2015 PMID: 25741868, with internal and published modifications).

Labcorp Genetics (formerly Invitae), Labcorp
Classification: Likely benign for Saldino-Mainzer syndrome. Last evaluated: 2024-02-17. Review status: criteria provided, single submitter. Criteria: Invitae Variant Classification Sherloc (09022015). Collection method: clinical testing. Allele origin: germline.